The following is an entry in ClinVar:

ClinVar aggregate classification (germline): Uncertain significance (1 of 4 stars; one submission).

gnomAD v4.1: 1 of 1,613,524 alleles (0.000062%); highest among the groups gnomAD compares: Non-Finnish European, 0.000085%; no homozygotes.

Submission:

Dasa
Classification: Uncertain significance. Last evaluated: 2025-05-23. Review status: criteria provided, single submitter. Criteria: DASA Assertion Criteria. Collection method: clinical testing. Allele origin: germline.
Comment: NM_001134407.3(GRIN2A):c.3471C>A (p.Asn1157Lys) is a missense variant that results in the substitution of asparagine with lysine. This variant is rare in population databases. Computational prediction algorithms are consistent with a benign effect. The currently available literature and clinical evidence are not sufficient to establish a definitive association between this variant and the reported condition. Therefore, this variant is classified as a variant of uncertain significance.

NM_001134407.3(GRIN2A):c.3471C>A (p.Asn1157Lys)

Gene: GRIN2A (glutamate ionotropic receptor NMDA type subunit 2A; minus strand). Cytogenetic location: 16p13.2.
Variant type: single nucleotide variant.
Coding change: c.3471C>A on transcript NM_001134407.3 (MANE Select); coding-DNA position 3471, C replaced by A.
Protein change: p.Asn1157Lys; replaces asparagine 1157 with lysine.
Molecular consequence: missense variant.
Genome position (GRCh38, 1-based): chr16:9,764,073, G>T on the plus strand (C>A on the coding strand, the complement: GRIN2A is on the minus strand). VCF-style: chr16-9764073-G-T. GRCh37 (hg19) VCF-style: chr16-9857930-G-T.
Other names: c.3471C>A, p.Asn1157Lys (NM_000833.5, NM_001134408.2); short protein forms N1157K.
Identifiers: ClinVar variation 5020951 (VCV005020951.1).